The following is an entry in ClinVar:

NM_006576.4(AVIL):c.1963-7_1963-6insTG

Genes: AVIL (advillin; minus strand), TSFM (Ts translation elongation factor, mitochondrial; plus strand). Cytogenetic location: 12q14.1.
Variant type: Insertion.
Coding change: c.1963-7_1963-6insTG on transcript NM_006576.4 (MANE Select); 7 bases into the intron before coding-DNA position 1963 through 6 bases into the intron before coding-DNA position 1963, TG inserted.
Molecular consequence: intron variant.
Genome position: GRCh38 VCF-style: chr12-57802354-A-AAC. GRCh37 (hg19) VCF-style: chr12-58196137-A-AAC.
Other names: c.572-200_572-199insCA (NM_001172697.2).
Identifiers: ClinVar variation 3028934 (VCV003028934.2), dbSNP rs2540980885, ClinGen allele CA2740092416.

ClinVar aggregate classification (germline): Likely benign (0 of 4 stars; one submission).

Conditions:
AVIL-related disorder. Also called: AVIL-related condition.

Submission:

PreventionGenetics, part of Exact Sciences
Classification: Likely benign for AVIL-related condition. Last evaluated: 2022-12-22. Review status: no assertion criteria provided. Collection method: clinical testing. Allele origin: germline.
Comment: This variant is classified as likely benign based on ACMG/AMP sequence variant interpretation guidelines (Richards et al. 2015 PMID: 25741868, with internal and published modifications).